The following is an entry in ClinVar:

NM_000944.5(PPP3CA):c.1473C>G (p.Pro491=)

Gene: PPP3CA (protein phosphatase 3 catalytic subunit alpha; minus strand). Cytogenetic location: 4q24.
Variant type: single nucleotide variant.
Coding change: c.1473C>G on transcript NM_000944.5 (MANE Select); coding-DNA position 1473, C replaced by G.
Protein change: p.Pro491=; no amino-acid change (proline 491 retained).
Molecular consequence: synonymous variant.
Genome position (GRCh38, 1-based): chr4:101,025,958, G>C on the plus strand (C>G on the coding strand, the complement: PPP3CA is on the minus strand). VCF-style: chr4-101025958-G-C. GRCh37 (hg19) VCF-style: chr4-101947115-G-C.
Other names: c.1443C>G, p.Pro481= (NM_001130691.2); c.1317C>G, p.Pro439= (NM_001130692.2).
Identifiers: ClinVar variation 1620145 (VCV001620145.9), dbSNP rs772699276, ClinGen allele CA3024229.
Genomic context (GRCh38, chr4:101,025,958, plus strand): 5'-GTCCGTGCCGTTAGTCTCTGAGGTGAGAGCCTTGTTGATGGAGTTAAGGTTGGCGTCAGA[G>C]GGCATGGCATCTCTGCGAGGCGGCATCCTCTCATTAATTCGGTCTAAGCCCTTGGCTTCC-3'
Protein context (NP_000935.1, residues 481-501): ERMPPRRDAM[Pro491=]SDANLNSINK

ClinVar aggregate classification (germline): Likely benign. Review status: criteria provided, multiple submitters, no conflicts (2 of 4 stars). 2 submissions from 2 submitters: Likely benign (2). Last evaluated 2026-09-01.

Allele frequency attached by ClinVar (database versions not stated): ExAC 0.00002.
gnomAD v4.1: 11 of 1,613,886 alleles (0.00068%); highest among the groups gnomAD compares: South Asian, 0.011%; no homozygotes.

Submissions (2):

CeGaT Center for Human Genetics Tuebingen
Classification: Likely benign. Last evaluated: 2026-09-01. Review status: criteria provided, single submitter. Criteria: CeGaT Center For Human Genetics Tuebingen Variant Classification Criteria Version 2. Collection method: clinical testing. Allele origin: germline. Affected: yes. Observed: 1 variant allele.
Comment: PPP3CA: BP4, BS2

Labcorp Genetics (formerly Invitae), Labcorp
Classification: Likely benign. Last evaluated: 2024-02-16. Review status: criteria provided, single submitter. Criteria: Invitae Variant Classification Sherloc (09022015). Collection method: clinical testing. Allele origin: germline.